The following is an entry in ClinVar:

NM_000051.4(ATM):c.253T>C (p.Ser85Pro)

Gene: ATM (ATM serine/threonine kinase; plus strand). Cytogenetic location: 11q22.3.
Variant type: single nucleotide variant.
Coding change: c.253T>C on transcript NM_000051.4 (MANE Select); coding-DNA position 253, T replaced by C.
Protein change: p.Ser85Pro; replaces serine 85 with proline.
Molecular consequence: missense variant.
Genome position (GRCh38, 1-based): chr11:108,229,245, T>C. VCF-style: chr11-108229245-T-C. GRCh37 (hg19) VCF-style: chr11-108099972-T-C.
Other names: c.253T>C, p.Ser85Pro (NM_001351834.2, NM_001351835.2, NM_001351836.2); short protein forms S85P.
Identifiers: ClinVar variation 1917921 (VCV001917921.5), dbSNP rs2135035337, ClinGen allele CA382521568.

ClinVar aggregate classification (germline): Uncertain significance (1 of 4 stars; one submission).

Conditions:
Ataxia-telangiectasia syndrome (AT). Also called: ATAXIA-TELANGIECTASIA, COMPLEMENTATION GROUP A; ATAXIA-TELANGIECTASIA, FRESNO VARIANT; Ataxia-telangiectasia, complementation group E; Cerebello-oculocutaneous telangiectasia; Immunodeficiency with ataxia telangiectasia; Ataxia telangiectasia (A-T). Identifiers: Orphanet 100, MedGen C0004135, MONDO:0008840, OMIM 208900.

Submission:

Labcorp Genetics (formerly Invitae), Labcorp
Classification: Uncertain significance for Ataxia-telangiectasia syndrome. Last evaluated: 2021-12-23. Review status: criteria provided, single submitter. Criteria: Invitae Variant Classification Sherloc (09022015). Collection method: clinical testing. Allele origin: germline.
Comment: This missense change has been observed in individual(s) with clinical features of cerebellar ataxia (PMID: 31429931). This variant is not present in population databases (gnomAD no frequency). This sequence change replaces serine, which is neutral and polar, with proline, which is neutral and non-polar, at codon 85 of the ATM protein (p.Ser85Pro). Advanced modeling of protein sequence and biophysical properties (such as structural, functional, and spatial information, amino acid conservation, physicochemical variation, residue mobility, and thermodynamic stability) performed at Invitae indicates that this missense variant is not expected to disrupt ATM protein function. In summary, the available evidence is currently insufficient to determine the role of this variant in disease. Therefore, it has been classified as a Variant of Uncertain Significance.

Literature cited by the submitters: PubMed 31429931.